The following is an entry in ClinVar:

NM_007118.4(TRIO):c.4883A>C (p.Gln1628Pro)

Genes: TRIO (trio Rho guanine nucleotide exchange factor; plus strand), LOC126807322 (P300/CBP strongly-dependent group 1 enhancer GRCh37_chr5:14406263-14407462; plus strand). Cytogenetic location: 5p15.2.
Variant type: single nucleotide variant.
Coding change: c.4883A>C on transcript NM_007118.4 (MANE Select); coding-DNA position 4883, A replaced by C.
Protein change: p.Gln1628Pro; replaces glutamine 1628 with proline.
Molecular consequence: missense variant. On other transcripts: non-coding transcript variant (1).
Genome position (GRCh38, 1-based): chr5:14,406,596, A>C. VCF-style: chr5-14406596-A-C. GRCh37 (hg19) VCF-style: chr5-14406705-A-C.
Other names: short protein forms Q1628P.
Identifiers: ClinVar variation 2446225 (VCV002446225.1), dbSNP rs2533051819, ClinGen allele CA359199145.

ClinVar aggregate classification (germline): Uncertain significance (1 of 4 stars; one submission).

Submission:

GeneDx
Classification: Uncertain significance. Last evaluated: 2022-09-27. Review status: criteria provided, single submitter. Criteria: GeneDx Variant Classification Process June 2021. Collection method: clinical testing. Allele origin: germline. Affected: yes.
Comment: Not observed at significant frequency in large population cohorts (gnomAD); In silico analysis supports that this missense variant has a deleterious effect on protein structure/function; Has not been previously published as pathogenic or benign to our knowledge